The following is an entry in ClinVar:

ClinVar aggregate classification (germline): Uncertain significance (1 of 4 stars; one submission).

Conditions:
Cerebral creatine deficiency syndrome. Also called: Creatine deficiency syndromes. Identifiers: Orphanet 79172, MedGen C5244016, MONDO:0000456.

Allele frequency attached by ClinVar (database versions not stated): ExAC 0.00002.
gnomAD v4.1: 1 of 1,522,226 alleles (0.000066%); highest among the groups gnomAD compares: South Asian, 0.0012%; no homozygotes.

Submission:

Labcorp Genetics (formerly Invitae), Labcorp
Classification: Uncertain significance for Cerebral creatine deficiency syndrome. Last evaluated: 2022-04-07. Review status: criteria provided, single submitter. Criteria: Invitae Variant Classification Sherloc (09022015). Collection method: clinical testing. Allele origin: germline.
Comment: This sequence change replaces alanine, which is neutral and non-polar, with glycine, which is neutral and non-polar, at codon 52 of the GAMT protein (p.Ala52Gly). This variant is present in population databases (rs774971648, gnomAD 0.004%). This variant has not been reported in the literature in individuals affected with GAMT-related conditions. Algorithms developed to predict the effect of missense changes on protein structure and function (SIFT, PolyPhen-2, Align-GVGD) all suggest that this variant is likely to be tolerated. In summary, the available evidence is currently insufficient to determine the role of this variant in disease. Therefore, it has been classified as a Variant of Uncertain Significance.

NM_000156.6(GAMT):c.155C>G (p.Ala52Gly)

Genes: GAMT (guanidinoacetate N-methyltransferase; minus strand), LOC130062945 (ATAC-STARR-seq lymphoblastoid silent region 9707; plus strand). Cytogenetic location: 19p13.3.
Variant type: single nucleotide variant.
Coding change: c.155C>G on transcript NM_000156.6 (MANE Select); coding-DNA position 155, C replaced by G.
Protein change: p.Ala52Gly; replaces alanine 52 with glycine.
Molecular consequence: missense variant.
Genome position (GRCh38, 1-based): chr19:1,401,322, G>C on the plus strand (C>G on the coding strand, the complement: GAMT is on the minus strand). VCF-style: chr19-1401322-G-C. GRCh37 (hg19) VCF-style: chr19-1401321-G-C.
Other names: c.155C>G, p.Ala52Gly (NM_138924.3); short protein forms A52G.
Identifiers: ClinVar variation 2413361 (VCV002413361.5), dbSNP rs774971648, ClinGen allele CA9043796.
Genomic context (GRCh38, chr19:1,401,322, plus strand): 5'-CCCCCGGGGGCGGTGCAGGCCGGGCGGGGGCTACCTTTGGAGGAGGCGGCGGCGGCCAGC[G>C]CGTGCATATAGGGGGTCTCCCAGCGCTCCATCACCGGCTTGCCCAGGATGCGCAGGTGCG-3'
Protein context (NP_000147.1, residues 42-62): MERWETPYMH[Ala52Gly]LAAAASSKGG